The following is an entry in ClinVar:

NM_032043.3(BRIP1):c.210A>G (p.Lys70=)

Gene: BRIP1 (BRCA1 interacting DNA helicase 1; minus strand). Cytogenetic location: 17q23.2.
Variant type: single nucleotide variant.
Coding change: c.210A>G on transcript NM_032043.3 (MANE Select); coding-DNA position 210, A replaced by G.
Protein change: p.Lys70=; no amino-acid change (lysine 70 retained).
Molecular consequence: synonymous variant.
Genome position (GRCh38, 1-based): chr17:61,857,227, T>C on the plus strand (A>G on the coding strand, the complement: BRIP1 is on the minus strand). VCF-style: chr17-61857227-T-C. GRCh37 (hg19) VCF-style: chr17-59934588-T-C.
Identifiers: ClinVar variation 1786043 (VCV001786043.4), dbSNP rs2145831582, ClinGen allele CA501151443.
Genomic context (GRCh38, chr17:61,857,227, plus strand): 5'-GCATGCACAACAACATGACAATTGTACTTCAGCTTTTTCACTTACGCCCTCATCTGCTGG[T>C]TTCCCTAAAAATGAAAGAACATCTATTTATAATATATCTAATTAAATAAACATCAATCAT-3'
Protein context (NP_114432.2, residues 60-80): ALAWQQSLSG[Lys70=]PADEGVSEKA

ClinVar aggregate classification (germline): Benign/Likely benign. Review status: criteria provided, multiple submitters, no conflicts (2 of 4 stars). 3 submissions from 3 submitters: Benign (1); Likely benign (2). Last evaluated 2025-07-10.

Conditions:
Hereditary cancer-predisposing syndrome. Also called: Tumor predisposition; Neoplastic Syndromes, Hereditary; Hereditary Cancer Syndrome; Hereditary neoplastic syndrome. Identifiers: Orphanet 140162, MedGen C0027672, MeSH D009386, MONDO:0015356.
Fanconi anemia complementation group J. Also called: BRIP1-Related Fanconi Anemia. Identifiers: Orphanet 84, MedGen C1836860, MONDO:0012187, OMIM 609054.
Familial cancer of breast. Also called: BREAST CANCER, FAMILIAL; Hereditary breast cancer; hereditary breast carcinoma. Identifiers: Orphanet 227535, MedGen C0346153, MONDO:0016419, OMIM 114480. Disease mechanism: loss of function.

Submissions (3):

Labcorp Genetics (formerly Invitae), Labcorp
Classification: Likely benign for Familial cancer of breast; Fanconi anemia complementation group J. Last evaluated: 2025-07-10. Review status: criteria provided, single submitter. Criteria: Invitae Variant Classification Sherloc (09022015). Collection method: clinical testing. Allele origin: germline.

Myriad Genetics, Inc.
Classification: Benign for Familial cancer of breast. Last evaluated: 2024-08-09. Review status: criteria provided, single submitter. Criteria: Myriad Autosomal Dominant, Autosomal Recessive and X-Linked Classification Criteria (2023). Collection method: clinical testing. Allele origin: unknown.
Comment: This variant is considered benign. This variant is a silent/synonymous amino acid change and it is not expected to impact splicing.

Ambry Genetics
Classification: Likely benign for Hereditary cancer-predisposing syndrome. Last evaluated: 2021-10-07. Review status: criteria provided, single submitter. Criteria: Ambry Variant Classification Scheme 2023. Collection method: clinical testing. Allele origin: germline.